The following is an entry in ClinVar:

NM_001377.3(DYNC2H1):c.5680G>T (p.Glu1894Ter)

Gene: DYNC2H1 (dynein cytoplasmic 2 heavy chain 1; plus strand). Cytogenetic location: 11q22.3.
Variant type: single nucleotide variant.
Coding change: c.5680G>T on transcript NM_001377.3 (MANE Select); coding-DNA position 5680, G replaced by T.
Protein change: p.Glu1894Ter; replaces glutamic acid 1894 with a stop codon.
Molecular consequence: nonsense.
Genome position (GRCh38, 1-based): chr11:103,176,240, G>T. VCF-style: chr11-103176240-G-T. GRCh37 (hg19) VCF-style: chr11-103046969-G-T.
Other names: c.5680G>T, p.Glu1894Ter (NM_001080463.2); short protein forms E1894*.
Identifiers: ClinVar variation 5015553 (VCV005015553.1).

ClinVar aggregate classification (germline): Pathogenic (1 of 4 stars; one submission).

Conditions:
Asphyxiating thoracic dystrophy 3. Also called: SHORT-RIB THORACIC DYSPLASIA 3 WITH OR WITHOUT POLYDACTYLY; POLYDACTYLY WITH NEONATAL CHONDRODYSTROPHY, TYPE I; SHORT-RIB THORACIC DYSPLASIA 3/6 WITH POLYDACTYLY, DIGENIC; Short rib polydactyly syndrome 2B; Saldino-Noonan Syndrome. Identifiers: Orphanet 474, Orphanet 93269, Orphanet 93270, Orphanet 93271, MedGen C0036069, MONDO:0013127, OMIM 613091.

Submission:

Myriad Genetics, Inc.
Classification: Pathogenic for Asphyxiating thoracic dystrophy 3. Last evaluated: 2026-02-15. Review status: criteria provided, single submitter. Criteria: Myriad Autosomal Dominant, Autosomal Recessive and X-Linked Classification Criteria (2023). Collection method: clinical testing. Allele origin: unknown.
Comment: NM_001377.2(DYNC2H1):c.5680G>T(E1894*) is expected to be pathogenic in the context of DYNC2H1-related disorders. This variant is predicted to lead to an abnormal or absent protein product due to the creation of a premature termination codon in DYNC2H1, a gene where loss-of-function variants are known to be pathogenic. Please note: this variant was assessed in the context of healthy population screening.